The following is an entry in ClinVar:

ClinVar aggregate classification (germline): Uncertain significance (1 of 4 stars; one submission).

Conditions:
Cardiovascular phenotype. Identifiers: MedGen CN230736.

Submission:

Ambry Genetics
Classification: Uncertain significance for Cardiovascular phenotype. Last evaluated: 2019-10-07. Review status: criteria provided, single submitter. Criteria: Ambry Variant Classification Scheme 2023. Collection method: clinical testing. Allele origin: germline.
Comment: The p.K13285E variant (also known as c.39853A>G), located in coding exon 144 of the TTN gene, results from an A to G substitution at nucleotide position 39853. The lysine at codon 13285 is replaced by glutamic acid, an amino acid with similar properties. This amino acid position is highly conserved in available vertebrate species. In addition, this alteration is predicted to be tolerated by in silico analysis. Since supporting evidence is limited at this time, the clinical significance of this alteration remains unclear.

NM_001267550.2(TTN):c.67048A>G (p.Lys22350Glu)

Genes: TTN (titin; minus strand), TTN-AS1 (TTN antisense RNA 1; plus strand). Cytogenetic location: 2q31.2.
Variant type: single nucleotide variant.
Coding change: c.67048A>G on transcript NM_001267550.2 (MANE Select); coding-DNA position 67048, A replaced by G.
Protein change: p.Lys22350Glu; replaces lysine 22350 with glutamic acid.
Molecular consequence: missense variant.
Genome position (GRCh38, 1-based): chr2:178,580,331, T>C on the plus strand (A>G on the coding strand, the complement: TTN is on the minus strand). VCF-style: chr2-178580331-T-C. GRCh37 (hg19) VCF-style: chr2-179445058-T-C.
Other names: c.62125A>G, p.Lys20709Glu (NM_001256850.1); c.39853A>G, p.Lys13285Glu (NM_003319.4); c.59344A>G, p.Lys19782Glu (NM_133378.4); c.40228A>G, p.Lys13410Glu (NM_133432.3); c.40429A>G, p.Lys13477Glu (NM_133437.4); short protein forms K13477E, K13285E, K13410E, K19782E, K20709E, K22350E.
Identifiers: ClinVar variation 1736724 (VCV001736724.2), dbSNP rs1370592733, ClinGen allele CA349424716.